The following is an entry in ClinVar:

NM_176824.3(BBS7):c.1314C>T (p.Asp438=)

Gene: BBS7 (Bardet-Biedl syndrome 7; minus strand). Cytogenetic location: 4q27.
Variant type: single nucleotide variant.
Coding change: c.1314C>T on transcript NM_176824.3 (MANE Select); coding-DNA position 1314, C replaced by T.
Protein change: p.Asp438=; no amino-acid change (aspartic acid 438 retained).
Molecular consequence: synonymous variant.
Genome position (GRCh38, 1-based): chr4:121,839,688, G>A on the plus strand (C>T on the coding strand, the complement: BBS7 is on the minus strand). VCF-style: chr4-121839688-G-A. GRCh37 (hg19) VCF-style: chr4-122760843-G-A.
Other names: c.1314C>T, p.Asp438= (NM_018190.4).
Identifiers: ClinVar variation 434499 (VCV000434499.15), dbSNP rs774070535, ClinGen allele CA3064256.

ClinVar aggregate classification (germline): Likely benign. Review status: criteria provided, multiple submitters, no conflicts (2 of 4 stars). 4 submissions from 4 submitters: Likely benign (3). 1 of the submissions does not count toward it. Last evaluated 2024-02-17.

Conditions:
Bardet-Biedl syndrome (BBS). Identifiers: Orphanet 110, MedGen C0752166, MONDO:0015229.
BBS7-related disorder. Also called: BBS7-related condition.

Allele frequency attached by ClinVar (database versions not stated): gnomAD exomes below 0.00001; ExAC 0.00001; gnomAD 0.00003 and 0.00004; TOPMed 0.00003.
gnomAD v4.1: 6 of 1,613,454 alleles (0.00037%); highest among the groups gnomAD compares: African/African-American, 0.0067%; no homozygotes.

Submissions (4):

Labcorp Genetics (formerly Invitae), Labcorp
Classification: Likely benign for Bardet-Biedl syndrome. Last evaluated: 2024-02-17. Review status: criteria provided, single submitter. Criteria: Invitae Variant Classification Sherloc (09022015). Collection method: clinical testing. Allele origin: germline.

Blueprint Genetics
Classification: Likely benign. Last evaluated: 2021-11-09. Review status: criteria provided, single submitter. Criteria: ACMG Guidelines, 2015. Collection method: clinical testing. Allele origin: germline.

Genetic Services Laboratory, University of Chicago
Classification: Likely benign. Last evaluated: 2015-12-09. Review status: criteria provided, single submitter. Criteria: ACMG Guidelines, 2015. Collection method: clinical testing. Allele origin: germline. Affected: no.

PreventionGenetics, part of Exact Sciences
Classification: Likely benign for BBS7-related condition. Last evaluated: 2020-05-07. Review status: no assertion criteria provided. Collection method: clinical testing. Allele origin: germline. Not counted in ClinVar's aggregate classification.
Comment: This variant is classified as likely benign based on ACMG/AMP sequence variant interpretation guidelines (Richards et al. 2015 PMID: 25741868, with internal and published modifications).